The following is an entry in ClinVar:

ClinVar aggregate classification (germline): Benign/Likely benign. Review status: criteria provided, multiple submitters, no conflicts (2 of 4 stars). 4 submissions from 4 submitters: Benign (1); Likely benign (1). 2 of the submissions do not count toward it. Last evaluated 2026-06-01.

Allele frequency attached by ClinVar (database versions not stated): TOPMed 0.00124; ESP Exome Variant Server 0.00131; 1000 Genomes Project 30x 0.00141; 1000 Genomes Project 0.00160; ExAC 0.00185; gnomAD exomes 0.00226.
gnomAD v4.1: 3,734 of 1,614,130 alleles (0.23%); highest among the groups gnomAD compares: Non-Finnish European, 0.22%; 8 homozygotes.

Submissions (4):

CeGaT Center for Human Genetics Tuebingen
Classification: Likely benign. Last evaluated: 2026-06-01. Review status: criteria provided, single submitter. Criteria: CeGaT Center For Human Genetics Tuebingen Variant Classification Criteria Version 2. Collection method: clinical testing. Allele origin: germline. Affected: yes. Observed: 4 variant alleles.
Comment: CSF2RB: BP4, BP7

Labcorp Genetics (formerly Invitae), Labcorp
Classification: Benign. Last evaluated: 2026-01-21. Review status: criteria provided, single submitter. Criteria: Invitae Variant Classification Sherloc (09022015). Collection method: clinical testing. Allele origin: germline.

Clinical Genetics DNA and cytogenetics Diagnostics Lab, Erasmus MC, Erasmus Medical Center
Classification: Likely benign. Review status: no assertion criteria provided. Collection method: clinical testing. Allele origin: germline. Affected: yes. Study: VKGL Data-share Consensus. Not counted in ClinVar's aggregate classification.

Genome Diagnostics Laboratory, University Medical Center Utrecht
Classification: Likely benign. Review status: no assertion criteria provided. Collection method: clinical testing. Allele origin: germline. Affected: yes. Study: VKGL Data-share Consensus. Not counted in ClinVar's aggregate classification.

NM_000395.3(CSF2RB):c.2526G>A (p.Pro842=)

Gene: CSF2RB (colony stimulating factor 2 receptor subunit beta; plus strand). Cytogenetic location: 22q12.3.
Variant type: single nucleotide variant.
Coding change: c.2526G>A on transcript NM_000395.3 (MANE Select); coding-DNA position 2526, G replaced by A.
Protein change: p.Pro842=; no amino-acid change (proline 842 retained).
Molecular consequence: synonymous variant.
Genome position (GRCh38, 1-based): chr22:36,938,334, G>A. VCF-style: chr22-36938334-G-A. GRCh37 (hg19) VCF-style: chr22-37334376-G-A.
Identifiers: ClinVar variation 1167555 (VCV001167555.35), dbSNP rs75527703, ClinGen allele CA10214149.